The following is an entry in ClinVar:

ClinVar aggregate classification (germline): Conflicting classifications of pathogenicity. Review status: criteria provided, conflicting classifications (1 of 4 stars). 3 submissions from 3 submitters: Uncertain significance (2); Likely benign (1). Last evaluated 2025-02-05.

Conditions:
Cardiomyopathy (CMYO). Also called: Cardiomyopathies. Identifiers: Orphanet 167848, MedGen C0878544, MONDO:0004994, HP:0001638. Inheritance: Various modes of inheritance.
Hypertrophic cardiomyopathy 1 (CMH1). Also called: MYH7-Related Familial Hypertrophic Cardiomyopathy; Familial hypertrophic cardiomyopathy 1. Identifiers: MedGen C3495498, MONDO:0008647, OMIM 192600.

Allele frequency attached by ClinVar (database versions not stated): ExAC 0.00002; 1000 Genomes Project 30x 0.00016; 1000 Genomes Project 0.00020.
gnomAD v4.1: 30 of 1,613,860 alleles (0.0019%); highest among the groups gnomAD compares: South Asian, 0.031%; 1 homozygote.

Submissions (3):

Labcorp Genetics (formerly Invitae), Labcorp
Classification: Likely benign for Hypertrophic cardiomyopathy 1. Last evaluated: 2025-02-05. Review status: criteria provided, single submitter. Criteria: Invitae Variant Classification Sherloc (09022015). Collection method: clinical testing. Allele origin: germline.

CHEO Genetics Diagnostic Laboratory, Children's Hospital of Eastern Ontario
Classification: Uncertain significance for Cardiomyopathy. Last evaluated: 2018-02-15. Review status: criteria provided, single submitter. Criteria: ACMG Guidelines, 2015. Collection method: clinical testing. Allele origin: germline.

Laboratory for Molecular Medicine, Mass General Brigham Personalized Medicine
Classification: Uncertain significance. Last evaluated: 2012-02-14. Review status: criteria provided, single submitter. Criteria: LMM Criteria. Collection method: clinical testing. Allele origin: germline. Observed: 1 variant allele.
Comment: The 1711-4C>T variant (MYLK2) has been identified in 1/7020 European American ch romosomes by the NHLBI Exome Sequencing Project in a broad population (s.). The 1711-4C>T variant is located in the 3' splice regi on but does not affect the invariant -1 and -2 positions and splicing prediction programs do not predict altered splicing. Additional information is needed to f ully assess the clinical significance of the 1711-4C>T variant.

NM_033118.4(MYLK2):c.1711-4C>T

Gene: MYLK2 (myosin light chain kinase 2; plus strand). Cytogenetic location: 20q11.21.
Variant type: single nucleotide variant.
Coding change: c.1711-4C>T on transcript NM_033118.4 (MANE Select); 4 bases into the intron before coding-DNA position 1711, C replaced by T.
Molecular consequence: intron variant.
Genome position (GRCh38, 1-based): chr20:31,833,713, C>T. VCF-style: chr20-31833713-C-T. GRCh37 (hg19) VCF-style: chr20-30421516-C-T.
Identifiers: ClinVar variation 46521 (VCV000046521.15), dbSNP rs372190501, ClinGen allele CA138521.